The following is an entry in ClinVar:

NC_000003.12:g.169764970C>A

Genes: TERC (telomerase RNA component; minus strand), LOC110806306 (telomerase RNA component (TERC) promoter; plus strand). Cytogenetic location: 3q26.2.
Variant type: single nucleotide variant.
Genome position: GRCh38 VCF-style: chr3-169764970-C-A. GRCh37 (hg19) VCF-style: chr3-169482758-C-A.
Identifiers: ClinVar variation 1006855 (VCV001006855.9), dbSNP rs1777963764, ClinGen allele CA436715832.
Genomic context (GRCh38, chr3:169,764,970, plus strand): 5'-GTGGAAGGCGGCAGGCCGAGGCTTTTCCGCCCGCTGAAAGTCAGCGAGAAAAACAGCGCG[C>A]GGGGAGCAAAAGCACGGCGCCTACGCCCTTCTCAGTTAGGGTTAGACAAAAAATGGCCAC-3'

ClinVar aggregate classification (germline): Uncertain significance (1 of 4 stars; one submission).

Conditions:
Dyskeratosis congenita, autosomal dominant 1 (DKCA1). Also called: Dyskeratosis congenita Scoggins type. Identifiers: Orphanet 1775, MedGen C4551974, MONDO:0007485, OMIM 127550. Inheritance: Variable.

Submission:

Labcorp Genetics (formerly Invitae), Labcorp
Classification: Uncertain significance for Dyskeratosis congenita, autosomal dominant 1. Last evaluated: 2023-12-11. Review status: criteria provided, single submitter. Criteria: Invitae Variant Classification Sherloc (09022015). Collection method: clinical testing. Allele origin: germline.
Comment: This variant occurs in the TERC gene, which encodes an RNA molecule that does not result in a protein product. This variant is not present in population databases (gnomAD no frequency). This variant has not been reported in the literature in individuals affected with TERC-related conditions. ClinVar contains an entry for this variant (Variation ID: 1006855). This variant is located within the template/pseudoknot domain of the TERC RNA component, which is required for RNA or RNP stability (PMID: 15082312, 21844345). This variant is located in a region of TERC in which a significant number of disease causing variants have been reported (PMID: 15082312, 21844345, 21931702). These observations suggest that this may be a clinically significant region. In summary, the available evidence is currently insufficient to determine the role of this variant in disease. Therefore, it has been classified as a Variant of Uncertain Significance.

Literature cited by the submitters: PubMed 15082312; PubMed 21844345; PubMed 21931702.